The following is an entry in ClinVar:

NM_022455.5(NSD1):c.7632C>T (p.Ala2544=)

Gene: NSD1 (nuclear receptor binding SET domain protein 1; plus strand). Cytogenetic location: 5q35.3.
Variant type: single nucleotide variant.
Coding change: c.7632C>T on transcript NM_022455.5 (MANE Select); coding-DNA position 7632, C replaced by T.
Protein change: p.Ala2544=; no amino-acid change (alanine 2544 retained).
Molecular consequence: synonymous variant.
Genome position (GRCh38, 1-based): chr5:177,295,000, C>T. VCF-style: chr5-177295000-C-T. GRCh37 (hg19) VCF-style: chr5-176722001-C-T.
Other names: c.6759C>T, p.Ala2253= (NM_001365684.2, NM_001409308.1, NM_172349.5); c.7632C>T, p.Ala2544= (NM_001409301.1, NM_001409302.1, NM_001409303.1); c.7212C>T, p.Ala2404= (NM_001409304.1); c.6879C>T, p.Ala2293= (NM_001409305.1); c.6870C>T, p.Ala2290= (NM_001409306.1, NM_001409307.1); c.6510C>T, p.Ala2170= (NM_001409309.1).
Identifiers: ClinVar variation 282744 (VCV000282744.9), dbSNP rs886042468, ClinGen allele CA10604282.

ClinVar aggregate classification (germline): Conflicting classifications of pathogenicity. Review status: criteria provided, conflicting classifications (1 of 4 stars). 4 submissions from 4 submitters: Uncertain significance (1); Benign (1); Likely benign (1). 1 of the submissions does not count toward it. Last evaluated 2025-08-21.

Conditions:
NSD1-related disorder. Also called: NSD1-related condition.

Allele frequency attached by ClinVar (database versions not stated): gnomAD exomes below 0.00001.
gnomAD v4.1: 2 of 1,614,240 alleles (0.00012%); highest among the groups gnomAD compares: East Asian, 0.0022%; no homozygotes.

Submissions (4):

Labcorp Genetics (formerly Invitae), Labcorp
Classification: Benign. Last evaluated: 2025-08-21. Review status: criteria provided, single submitter. Criteria: Invitae Variant Classification Sherloc (09022015). Collection method: clinical testing. Allele origin: germline.

Blueprint Genetics
Classification: Likely benign. Last evaluated: 2024-08-22. Review status: criteria provided, single submitter. Criteria: ACMG Guidelines, 2015. Collection method: clinical testing. Allele origin: germline.

Eurofins Ntd Llc (ga)
Classification: Uncertain significance. Last evaluated: 2015-09-03. Review status: criteria provided, single submitter. Criteria: EGL Classification Definitions 2015. Collection method: clinical testing. Allele origin: germline. Observed: 1 variant allele, 1 heterozygote.

PreventionGenetics, part of Exact Sciences
Classification: Likely benign for NSD1-related condition. Last evaluated: 2019-06-11. Review status: no assertion criteria provided. Collection method: clinical testing. Allele origin: germline. Not counted in ClinVar's aggregate classification.
Comment: This variant is classified as likely benign based on ACMG/AMP sequence variant interpretation guidelines (Richards et al. 2015 PMID: 25741868, with internal and published modifications).